The following is an entry in ClinVar:

ClinVar aggregate classification (germline): Uncertain significance (1 of 4 stars; one submission).

Conditions:
Isolated microphthalmia 5. Also called: Posterior Microphthalmia with Retinitis Pigmentosa, Foveoschisis, and Optic Disc Drusen. Identifiers: Orphanet 251279, MedGen C1970236, MONDO:0012605, OMIM 611040.

Allele frequency attached by ClinVar (database versions not stated): gnomAD exomes below 0.00001.
gnomAD v4.1: 2 of 1,613,658 alleles (0.00012%); highest among the groups gnomAD compares: Non-Finnish European, 0.00017%; no homozygotes.

Submission:

Labcorp Genetics (formerly Invitae), Labcorp
Classification: Uncertain significance for Isolated microphthalmia 5. Last evaluated: 2021-04-25. Review status: criteria provided, single submitter. Criteria: Invitae Variant Classification Sherloc (09022015). Collection method: clinical testing. Allele origin: germline.
Comment: In summary, the available evidence is currently insufficient to determine the role of this variant in disease. Therefore, it has been classified as a Variant of Uncertain Significance. Algorithms developed to predict the effect of missense changes on protein structure and function are either unavailable or do not agree on the potential impact of this missense change (SIFT: "Deleterious"; PolyPhen-2: "Possibly Damaging"; Align-GVGD: "Class C0"). This variant has not been reported in the literature in individuals with MFRP-related conditions. This variant is not present in population databases (ExAC no frequency). This sequence change replaces glycine with cysteine at codon 109 of the MFRP protein (p.Gly109Cys). The glycine residue is moderately conserved and there is a large physicochemical difference between glycine and cysteine.

NM_031433.4(MFRP):c.325G>T (p.Gly109Cys)

Genes: C1QTNF5 (C1q and TNF related 5; minus strand), MFRP (membrane frizzled-related protein; minus strand). Cytogenetic location: 11q23.3.
Variant type: single nucleotide variant.
Coding change: c.325G>T on transcript NM_031433.4 (MANE Select); coding-DNA position 325, G replaced by T.
Protein change: p.Gly109Cys; replaces glycine 109 with cysteine.
Molecular consequence: missense variant. On other transcripts: 5 prime UTR variant (1).
Genome position (GRCh38, 1-based): chr11:119,345,875, C>A on the plus strand (G>T on the coding strand, the complement: MFRP is on the minus strand). VCF-style: chr11-119345875-C-A. GRCh37 (hg19) VCF-style: chr11-119216585-C-A.
Other names: c.-2312G>T (NM_015645.5); short protein forms G109C.
Identifiers: ClinVar variation 1486517 (VCV001486517.8), dbSNP rs1325594534, ClinGen allele CA382978979.